The following is an entry in ClinVar:

NM_006767.4(LZTR1):c.2188G>T (p.Gly730Cys)

Gene: LZTR1 (leucine zipper like post translational regulator 1; plus strand). Cytogenetic location: 22q11.21.
Variant type: single nucleotide variant.
Coding change: c.2188G>T on transcript NM_006767.4 (MANE Select); coding-DNA position 2188, G replaced by T.
Protein change: p.Gly730Cys; replaces glycine 730 with cysteine.
Molecular consequence: missense variant.
Genome position (GRCh38, 1-based): chr22:20,996,081, G>T. VCF-style: chr22-20996081-G-T. GRCh37 (hg19) VCF-style: chr22-21350370-G-T.
Other names: short protein forms G730C.
Identifiers: ClinVar variation 1787366 (VCV001787366.2), dbSNP rs199625022, ClinGen allele CA410779990.

ClinVar aggregate classification (germline): Uncertain significance (1 of 4 stars; one submission).

Conditions:
Hereditary cancer-predisposing syndrome. Also called: Neoplastic Syndromes, Hereditary; Tumor predisposition; Hereditary Cancer Syndrome; Hereditary neoplastic syndrome. Identifiers: Orphanet 140162, MedGen C0027672, MeSH D009386, MONDO:0015356.
Cardiovascular phenotype. Identifiers: MedGen CN230736.

Submission:

Ambry Genetics
Classification: Uncertain significance for Cardiovascular phenotype; Hereditary cancer-predisposing syndrome. Last evaluated: 2022-04-01. Review status: criteria provided, single submitter. Criteria: Ambry Variant Classification Scheme 2023. Collection method: clinical testing. Allele origin: germline.
Comment: The p.G730C variant (also known as c.2188G>T), located in coding exon 18 of the LZTR1 gene, results from a G to T substitution at nucleotide position 2188. The glycine at codon 730 is replaced by cysteine, an amino acid with highly dissimilar properties. This amino acid position is conserved. In addition, this alteration is predicted to be deleterious by in silico analysis. Since supporting evidence is limited at this time, the clinical significance of this alteration remains unclear.